The following is an entry in ClinVar:

NM_024642.5(GALNT12):c.800A>G (p.Tyr267Cys)

Gene: GALNT12 (polypeptide N-acetylgalactosaminyltransferase 12; plus strand). Cytogenetic location: 9q22.33.
Variant type: single nucleotide variant.
Coding change: c.800A>G on transcript NM_024642.5 (MANE Select); coding-DNA position 800, A replaced by G.
Protein change: p.Tyr267Cys; replaces tyrosine 267 with cysteine.
Molecular consequence: missense variant.
Genome position (GRCh38, 1-based): chr9:98,831,840, A>G. VCF-style: chr9-98831840-A-G. GRCh37 (hg19) VCF-style: chr9-101594122-A-G.
Other names: short protein forms Y267C.
Identifiers: ClinVar variation 4670618 (VCV004670618.1).
Genomic context (GRCh38, chr9:98,831,840, plus strand): 5'-AAGAGGAGTCGGCAGTGGTGTGCCCGGTGATTGATGTGATCGACTGGAACACCTTCGAAT[A>G]CCTGGGGAACTCCGGGGAGCCCCAGATCGGCGGTTTCGACTGGAGGCTGGTGTTCACGTG-3'
Protein context (NP_078918.3, residues 257-277): IDVIDWNTFE[Tyr267Cys]LGNSGEPQIG

ClinVar aggregate classification (germline): Uncertain significance (1 of 4 stars; one submission).

Submission:

Ambry Genetics
Classification: Uncertain significance. Last evaluated: 2025-09-28. Review status: criteria provided, single submitter. Criteria: Ambry Variant Classification Scheme 2023. Collection method: clinical testing. Allele origin: germline.
Comment: The p.Y267C variant (also known as c.800A>G), located in coding exon 4 of the GALNT12 gene, results from an A to G substitution at nucleotide position 800. The tyrosine at codon 267 is replaced by cysteine, an amino acid with highly dissimilar properties. This amino acid position is conserved. In addition, this alteration is predicted to be deleterious by in silico analysis. Based on the available evidence, the clinical significance of this variant remains unclear.